The following is an entry in ClinVar:

NM_032525.3(TUBB6):c.580G>A (p.Glu194Lys)

Gene: TUBB6 (tubulin beta 6 class V; plus strand). Cytogenetic location: 18p11.21.
Variant type: single nucleotide variant.
Coding change: c.580G>A on transcript NM_032525.3 (MANE Select); coding-DNA position 580, G replaced by A.
Protein change: p.Glu194Lys; replaces glutamic acid 194 with lysine.
Molecular consequence: missense variant. On other transcripts: intron variant (1).
Genome position (GRCh38, 1-based): chr18:12,325,369, G>A. VCF-style: chr18-12325369-G-A. GRCh37 (hg19) VCF-style: chr18-12325368-G-A.
Other names: c.580G>A, p.Glu194Lys (NM_001303524.1); c.469G>A, p.Glu157Lys (NM_001303526.2); c.364G>A, p.Glu122Lys (NM_001303527.2); c.385G>A, p.Glu129Lys (NM_001303528.2); c.142G>A, p.Glu48Lys (NM_001303529.3, NM_001303530.3); c.278-3777G>A (NM_001303525.2); short protein forms E122K, E129K, E157K, E194K, E48K.
Identifiers: ClinVar variation 4875117 (VCV004875117.2).
Genomic context (GRCh38, chr18:12,325,369, plus strand): 5'-AAGGTGTCGGACACGGTGGTGGAGCCCTACAATGCCACACTGTCGGTGCACCAGCTGGTG[G>A]AGAATACAGACGAGACCTACTGCATCGACAACGAGGCGCTCTATGACATCTGCTTCCGCA-3'
Protein context (NP_115914.1, residues 184-204): NATLSVHQLV[Glu194Lys]NTDETYCIDN

ClinVar aggregate classification (germline): Uncertain significance (1 of 4 stars; one submission).

Submission:

CeGaT Center for Human Genetics Tuebingen
Classification: Uncertain significance. Last evaluated: 2026-06-01. Review status: criteria provided, single submitter. Criteria: CeGaT Center For Human Genetics Tuebingen Variant Classification Criteria Version 2. Collection method: clinical testing. Allele origin: germline. Affected: yes. Observed: 1 variant allele.
Comment: TUBB6: PM2, PP3